The following is an entry in ClinVar:

NM_001375524.1(TRRAP):c.6395G>A (p.Arg2132Gln)

Gene: TRRAP (transformation/transcription domain associated protein; plus strand). Cytogenetic location: 7q22.1.
Variant type: single nucleotide variant.
Coding change: c.6395G>A on transcript NM_001375524.1 (MANE Select); coding-DNA position 6395, G replaced by A.
Protein change: p.Arg2132Gln; replaces arginine 2132 with glutamine.
Molecular consequence: missense variant.
Genome position (GRCh38, 1-based): chr7:98,959,396, G>A. VCF-style: chr7-98959396-G-A. GRCh37 (hg19) VCF-style: chr7-98557019-G-A.
Other names: c.6374G>A, p.Arg2125Gln (NM_001244580.2); c.6320G>A, p.Arg2107Gln (NM_003496.4); short protein forms R2107Q, R2125Q, R2132Q.
Identifiers: ClinVar variation 1960122 (VCV001960122.5), dbSNP rs1182687777, ClinGen allele CA368282425.
Genomic context (GRCh38, chr7:98,959,396, plus strand): 5'-ATTCCTAGGTTAATGACAACACCAACACAGCGGGGTCCCCTGGGGAGGTGCTCTCTCGCC[G>A]GTGTGTGAACCTTCTGAAGACTGCGTTGCGGCCAGACATGTGGCCCAAGTCCGAACTCAA-3'
Protein context (NP_001362453.1, residues 2122-2142): AGSPGEVLSR[Arg2132Gln]CVNLLKTALR

ClinVar aggregate classification (germline): Uncertain significance (1 of 4 stars; one submission).

Allele frequency attached by ClinVar (database versions not stated): TOPMed below 0.00001; gnomAD 0.00001; gnomAD exomes 0.00002.
gnomAD v4.1: 25 of 1,613,936 alleles (0.0015%); highest among the groups gnomAD compares: South Asian, 0.0022%; no homozygotes.

Submission:

Labcorp Genetics (formerly Invitae), Labcorp
Classification: Uncertain significance. Last evaluated: 2021-12-21. Review status: criteria provided, single submitter. Criteria: Invitae Variant Classification Sherloc (09022015). Collection method: clinical testing. Allele origin: germline.
Comment: Algorithms developed to predict the effect of missense changes on protein structure and function are either unavailable or do not agree on the potential impact of this missense change (SIFT: "Tolerated"; PolyPhen-2: "Possibly Damaging"; Align-GVGD: "Class C0"). This variant has not been reported in the literature in individuals affected with TRRAP-related conditions. This variant is not present in population databases (gnomAD no frequency). This sequence change replaces arginine, which is basic and polar, with glutamine, which is neutral and polar, at codon 2107 of the TRRAP protein (p.Arg2107Gln). Algorithms developed to predict the effect of sequence changes on RNA splicing suggest that this variant may create or strengthen a splice site. In summary, the available evidence is currently insufficient to determine the role of this variant in disease. Therefore, it has been classified as a Variant of Uncertain Significance.